The following is an entry in ClinVar:

ClinVar aggregate classification (germline): Pathogenic (1 of 4 stars; one submission).

Conditions:
Neurofibromatosis, type 1 (NF1). Also called: VON RECKLINGHAUSEN DISEASE; Peripheral type neurofibromatosis; NEUROFIBROMATOSIS, TYPE I, SOMATIC; Neurofibromatosis, type I. Identifiers: Orphanet 636, MedGen C0027831, MONDO:0018975, OMIM 162200. Disease mechanism: loss of function.

Submission:

Labcorp Genetics (formerly Invitae), Labcorp
Classification: Pathogenic for Neurofibromatosis, type 1. Last evaluated: 2020-02-17. Review status: criteria provided, single submitter. Criteria: Invitae Variant Classification Sherloc (09022015). Collection method: clinical testing. Allele origin: germline.
Comment: For these reasons, this variant has been classified as Pathogenic. Loss-of-function variants in NF1 are known to be pathogenic (PMID: 10712197, 23913538). This variant has not been reported in the literature in individuals with NF1-related conditions. This variant is not present in population databases (ExAC no frequency). This sequence change creates a premature translational stop signal (p.Ala2177Valfs*2) in the NF1 gene. It is expected to result in an absent or disrupted protein product.

Literature cited by the submitters: PubMed 10712197; PubMed 23913538.

NM_001042492.3(NF1):c.6593del (p.Ala2198fs)

Gene: NF1 (neurofibromin 1; plus strand). Cytogenetic location: 17q11.2.
Variant type: Deletion.
Coding change: c.6593del on transcript NM_001042492.3 (MANE Select); coding-DNA position 6593, one base deleted (C; older notation c.6593delC).
Protein change: p.Ala2198fs; shifts the reading frame from alanine 2198.
Molecular consequence: frameshift variant.
Genome position (GRCh38, 1-based): chr17:31,337,533, C deleted. VCF-style (leftmost placement, unchanged base first): chr17-31337532-GC-G. GRCh37 (hg19) VCF-style: chr17-29664550-GC-G.
Other names: c.6530delC, p.Ala2177Valfs (NM_000267.4); short protein forms A2177fs, A2198fs.
Identifiers: ClinVar variation 1069240 (VCV001069240.5), dbSNP rs2151556491, ClinGen allele CA2499224196.
Genomic context (GRCh38, chr17:31,337,532, plus strand): 5'-TTCCGTTCCAGTTACCGGGACAGGTCATTCTCTCCTGGCTCCTATGAGAGAGAGACTTTT[GC>G]TTTGACATCCTTGGAAACAGTCACAGAAGCTTTGTTGGAGATCATGGAGGTATAGAAGCC-3'